The following is an entry in ClinVar:

NM_144997.7(FLCN):c.871+134A>G

Gene: FLCN (folliculin; minus strand). Cytogenetic location: 17p11.2.
Variant type: single nucleotide variant.
Coding change: c.871+134A>G on transcript NM_144997.7 (MANE Select); 134 bases into the intron after coding-DNA position 871, A replaced by G.
Molecular consequence: intron variant. On other transcripts: synonymous variant (1).
Genome position (GRCh38, 1-based): chr17:17,221,403, T>C on the plus strand (A>G on the coding strand, the complement: FLCN is on the minus strand). VCF-style: chr17-17221403-T-C. GRCh37 (hg19) VCF-style: chr17-17124717-T-C.
Other names: c.1005A>G, p.Glu335= (NM_144606.7); c.871+134A>G (NM_001353231.2, NM_001353230.2); c.925+134A>G (NM_001353229.2).
Identifiers: ClinVar variation 3047234 (VCV003047234.2), dbSNP rs182975476, ClinGen allele CA8416235.

ClinVar aggregate classification (germline): Likely benign (0 of 4 stars; one submission).

Conditions:
FLCN-related disorder. Also called: FLCN-related condition.

Allele frequency attached by ClinVar (database versions not stated): gnomAD exomes 0.00002; gnomAD 0.00003; TOPMed 0.00005; 1000 Genomes Project 30x 0.00016; ExAC 0.00016; 1000 Genomes Project 0.00020.
gnomAD v4.1: 30 of 1,613,312 alleles (0.0019%); highest among the groups gnomAD compares: East Asian, 0.067%; no homozygotes.

Submission:

PreventionGenetics, part of Exact Sciences
Classification: Likely benign for FLCN-related condition. Last evaluated: 2024-09-26. Review status: no assertion criteria provided. Collection method: clinical testing. Allele origin: germline.
Comment: This variant is classified as likely benign based on ACMG/AMP sequence variant interpretation guidelines (Richards et al. 2015 PMID: 25741868, with internal and published modifications).